The following is an entry in ClinVar:

NM_015166.4(MLC1):c.267+1G>A

Genes: MLC1 (modulator of VRAC current 1; minus strand), LOC125446261 (Sharpr-MPRA regulatory region 9327; plus strand). Cytogenetic location: 22q13.33.
Variant type: single nucleotide variant.
Coding change: c.267+1G>A on transcript NM_015166.4 (MANE Select); the canonical splice donor site of the intron after coding-DNA position 267, G replaced by A.
Molecular consequence: splice donor variant. On other transcripts: intron variant (1).
Genome position (GRCh38, 1-based): chr22:50,083,083, C>T on the plus strand (G>A on the coding strand, the complement: MLC1 is on the minus strand). VCF-style: chr22-50083083-C-T. GRCh37 (hg19) VCF-style: chr22-50521512-C-T.
Other names: c.267+1G>A (NM_001376474.1, NM_001376475.1, NM_001376476.1 and 9 more transcripts); c.30+1G>A (NM_001376484.1); c.177+1643G>A (NM_001376480.1).
Identifiers: ClinVar variation 2783030 (VCV002783030.3), dbSNP rs2518357998, ClinGen allele CA412111523.
Genomic context (GRCh38, chr22:50,083,083, plus strand): 5'-GAAACCAGAGCACGTGCCGGCGAGCTTGGGCACTGGCAGAGGCGTGGAGGAAGCTGCTTA[C>T]AGAGCCTGCAGCACAGCGCAAGTAATCCATCTCAGCCGGGAACACGTTCCCCAGGTACAG-3'

ClinVar aggregate classification (germline): Pathogenic (1 of 4 stars; one submission).

Submission:

Labcorp Genetics (formerly Invitae), Labcorp
Classification: Pathogenic. Last evaluated: 2023-07-15. Review status: criteria provided, single submitter. Criteria: Invitae Variant Classification Sherloc (09022015). Collection method: clinical testing. Allele origin: germline.
Comment: For these reasons, this variant has been classified as Pathogenic. Algorithms developed to predict the effect of sequence changes on RNA splicing suggest that this variant may disrupt the consensus splice site. Disruption of this splice site has been observed in individual(s) with megalencephalic leukoencephalopathy with subcortical cysts (PMID: 21145992). This variant is not present in population databases (gnomAD no frequency). This sequence change affects a donor splice site in intron 3 of the MLC1 gene. It is expected to disrupt RNA splicing. Variants that disrupt the donor or acceptor splice site typically lead to a loss of protein function (PMID: 16199547), and loss-of-function variants in MLC1 are known to be pathogenic (PMID: 11254442, 16470554, 24824219).

Literature cited by the submitters: PubMed 21145992; PubMed 16199547; PubMed 11254442; PubMed 16470554; PubMed 24824219.